The following is an entry in ClinVar:

NM_000318.3(PEX2):c.77_79delinsTT (p.Asn26fs)

Gene: PEX2 (peroxisomal biogenesis factor 2; minus strand). Cytogenetic location: 8q21.13.
Variant type: Indel.
Coding change: c.77_79delinsTT on transcript NM_000318.3 (MANE Select); coding-DNA positions 77 to 79, ACA replaced by TT.
Protein change: p.Asn26fs; shifts the reading frame from asparagine 26.
Molecular consequence: frameshift variant.
Genome position (GRCh38, 1-based): chr8:76,984,100-76,984,102, TGT replaced by AA on the plus strand (ACA replaced by TT on the coding strand, the reverse complement: PEX2 is on the minus strand). VCF-style: chr8-76984100-TGT-AA. GRCh37 (hg19) VCF-style: chr8-77896336-TGT-AA.
Other names: c.77_79delinsTT, p.Asn26fs (NM_001079867.2, NM_001172086.2, NM_001172087.2); short protein forms N26fs.
Identifiers: ClinVar variation 2691533 (VCV002691533.1), dbSNP rs2487453776, ClinGen allele CA2697549975.

ClinVar aggregate classification (germline): Pathogenic (1 of 4 stars; one submission).

Conditions:
Peroxisome biogenesis disorder. Identifiers: Orphanet 79189, MedGen C1832200, MONDO:0019234. Disease mechanism: loss of function.

Submission:

Women's Health and Genetics/Laboratory Corporation of America, LabCorp
Classification: Pathogenic for Peroxisome biogenesis disorder. Last evaluated: 2023-12-08. Review status: criteria provided, single submitter. Criteria: LabCorp Variant Classification Summary - May 2015. Collection method: clinical testing. Allele origin: germline.
Comment: Variant summary: PEX2 c.77_79delinsTT (p.Asn26IlefsX7) results in a premature termination codon, predicted to cause a truncation of the encoded protein or absence of the protein due to nonsense mediated decay, which are commonly known mechanisms for disease. Variants downstream of this position have been classified as pathogenic by our laboratory. The variant was absent in 250670 control chromosomes. No submitters have cited clinical-significance assessments for this variant to ClinVar after 2014. Based on the evidence outlined above, the variant was classified as pathogenic.